The following is an entry in ClinVar:

ClinVar aggregate classification (germline): Likely benign. Review status: criteria provided, multiple submitters, no conflicts (2 of 4 stars). 2 submissions from 2 submitters: Likely benign (2). Last evaluated 2025-10-02.

Allele frequency attached by ClinVar (database versions not stated): gnomAD 0.00011; TOPMed 0.00013; ExAC 0.00016; ESP Exome Variant Server 0.00023; gnomAD exomes 0.00026.
gnomAD v4.1: 383 of 1,614,014 alleles (0.024%); highest among the groups gnomAD compares: Non-Finnish European, 0.031%; no homozygotes.

Submissions (2):

Labcorp Genetics (formerly Invitae), Labcorp
Classification: Likely benign. Last evaluated: 2025-10-02. Review status: criteria provided, single submitter. Criteria: Invitae Variant Classification Sherloc (09022015). Collection method: clinical testing. Allele origin: germline.

CeGaT Center for Human Genetics Tuebingen
Classification: Likely benign. Last evaluated: 2024-12-01. Review status: criteria provided, single submitter. Criteria: CeGaT Center For Human Genetics Tuebingen Variant Classification Criteria Version 2. Collection method: clinical testing. Allele origin: germline. Affected: yes. Observed: 2 variant alleles.
Comment: CNOT1: BP4

NM_016284.5(CNOT1):c.7008G>A (p.Lys2336=)

Genes: CNOT1 (CCR4-NOT transcription complex subunit 1; minus strand), SETD6 (SET domain containing 6, protein lysine methyltransferase; plus strand). Cytogenetic location: 16q21.
Variant type: single nucleotide variant.
Coding change: c.7008G>A on transcript NM_016284.5 (MANE Select); coding-DNA position 7008, G replaced by A.
Protein change: p.Lys2336=; no amino-acid change (lysine 2336 retained).
Molecular consequence: synonymous variant. On other transcripts: non-coding transcript variant (1), 3 prime UTR variant (1).
Genome position (GRCh38, 1-based): chr16:58,521,227, C>T on the plus strand (G>A on the coding strand, the complement: CNOT1 is on the minus strand). VCF-style: chr16-58521227-C-T. GRCh37 (hg19) VCF-style: chr16-58555131-C-T.
Other names: c.6993G>A, p.Lys2331= (NM_001265612.2); c.*2198C>T (NM_001160305.4).
Identifiers: ClinVar variation 2065312 (VCV002065312.25), dbSNP rs372736100, ClinGen allele CA8088563.